The following is an entry in ClinVar:

ClinVar aggregate classification (germline): Uncertain significance. Review status: criteria provided, multiple submitters, no conflicts (2 of 4 stars). 3 submissions from 3 submitters: Uncertain significance (2). 1 of the submissions does not count toward it. Last evaluated 2022-07-12.

Conditions:
BBS9-related disorder. Also called: BBS9-related condition.
Bardet-Biedl syndrome (BBS). Identifiers: Orphanet 110, MedGen C0752166, MONDO:0015229.
Bardet-Biedl syndrome 9 (BBS9). Identifiers: Orphanet 110, MedGen C1859567, MONDO:0014437, OMIM 615986.

Allele frequency attached by ClinVar (database versions not stated): gnomAD exomes below 0.00001 and 0.00001; TOPMed 0.00003; gnomAD 0.00004.
gnomAD v4.1: 20 of 1,612,382 alleles (0.0012%); highest among the groups gnomAD compares: Non-Finnish European, 0.0016%; no homozygotes.

Submissions (3):

Labcorp Genetics (formerly Invitae), Labcorp
Classification: Uncertain significance for Bardet-Biedl syndrome. Last evaluated: 2022-07-12. Review status: criteria provided, single submitter. Criteria: Invitae Variant Classification Sherloc (09022015). Collection method: clinical testing. Allele origin: germline.
Comment: This sequence change replaces glycine, which is neutral and non-polar, with aspartic acid, which is acidic and polar, at codon 400 of the BBS9 protein (p.Gly400Asp). This variant is present in population databases (no rsID available, gnomAD 0.0009%). This variant has not been reported in the literature in individuals affected with BBS9-related conditions. ClinVar contains an entry for this variant (Variation ID: 967279). Algorithms developed to predict the effect of missense changes on protein structure and function output the following: SIFT: "Deleterious"; PolyPhen-2: "Benign"; Align-GVGD: "Class C65". The aspartic acid amino acid residue is found in multiple mammalian species, which suggests that this missense change does not adversely affect protein function. In summary, the available evidence is currently insufficient to determine the role of this variant in disease. Therefore, it has been classified as a Variant of Uncertain Significance.

Fulgent Genetics
Classification: Uncertain significance for Bardet-Biedl syndrome 9. Last evaluated: 2022-04-21. Review status: criteria provided, single submitter. Criteria: ACMG Guidelines, 2015. Collection method: clinical testing. Allele origin: unknown.

PreventionGenetics, part of Exact Sciences
Classification: Uncertain significance for BBS9-related condition. Last evaluated: 2024-09-10. Review status: no assertion criteria provided. Collection method: clinical testing. Allele origin: germline. Not counted in ClinVar's aggregate classification.
Comment: The BBS9 c.1199G>A variant is predicted to result in the amino acid substitution p.Gly400Asp. To our knowledge, this variant has not been reported in the literature. This variant is reported in 0.00088% of alleles in individuals of European (Non-Finnish) descent in gnomAD. At this time, the clinical significance of this variant is uncertain due to the absence of conclusive functional and genetic evidence.

NM_198428.3(BBS9):c.1199G>A (p.Gly400Asp)

Gene: BBS9 (Bardet-Biedl syndrome 9; plus strand). Cytogenetic location: 7p14.3.
Variant type: single nucleotide variant.
Coding change: c.1199G>A on transcript NM_198428.3 (MANE Select); coding-DNA position 1199, G replaced by A.
Protein change: p.Gly400Asp; replaces glycine 400 with aspartic acid.
Molecular consequence: missense variant. On other transcripts: non-coding transcript variant (3).
Genome position (GRCh38, 1-based): chr7:33,340,897, G>A. VCF-style: chr7-33340897-G-A. GRCh37 (hg19) VCF-style: chr7-33380509-G-A.
Other names: c.1199G>A, p.Gly400Asp (NM_001033604.2, NM_001033605.2, NM_001348036.1 and 5 more transcripts); c.833G>A, p.Gly278Asp (NM_001348037.3, NM_001348044.3, NM_001348045.3 and 1 more transcripts); c.926G>A, p.Gly309Asp (NM_001348038.3, NM_001348039.3); c.1064G>A, p.Gly355Asp (NM_001348042.3); short protein forms G400D, G278D, G309D, G355D.
Identifiers: ClinVar variation 967279 (VCV000967279.7), dbSNP rs1312526837, ClinGen allele CA367255137.